The following is an entry in ClinVar:

ClinVar aggregate classification (germline): Uncertain significance (1 of 4 stars; one submission).

Conditions:
Dilated cardiomyopathy 2B. Identifiers: Orphanet 154, MedGen C3553409, MONDO:0013848, OMIM 614672.

Submission:

Labcorp Genetics (formerly Invitae), Labcorp
Classification: Uncertain significance for Dilated cardiomyopathy 2B. Last evaluated: 2023-11-25. Review status: criteria provided, single submitter. Criteria: Invitae Variant Classification Sherloc (09022015). Collection method: clinical testing. Allele origin: germline.
Comment: This sequence change replaces glutamic acid, which is acidic and polar, with glutamine, which is neutral and polar, at codon 180 of the GATAD1 protein (p.Glu180Gln). This variant is not present in population databases (gnomAD no frequency). This variant has not been reported in the literature in individuals affected with GATAD1-related conditions. Advanced modeling of protein sequence and biophysical properties (such as structural, functional, and spatial information, amino acid conservation, physicochemical variation, residue mobility, and thermodynamic stability) performed at Invitae indicates that this missense variant is not expected to disrupt GATAD1 protein function with a negative predictive value of 80%. In summary, the available evidence is currently insufficient to determine the role of this variant in disease. Therefore, it has been classified as a Variant of Uncertain Significance.

NM_021167.5(GATAD1):c.538G>C (p.Glu180Gln)

Gene: GATAD1 (GATA zinc finger domain containing 1; plus strand). Cytogenetic location: 7q21.2.
Variant type: single nucleotide variant.
Coding change: c.538G>C on transcript NM_021167.5 (MANE Select); coding-DNA position 538, G replaced by C.
Protein change: p.Glu180Gln; replaces glutamic acid 180 with glutamine.
Molecular consequence: missense variant. On other transcripts: non-coding transcript variant (1).
Genome position (GRCh38, 1-based): chr7:92,454,604, G>C. VCF-style: chr7-92454604-G-C. GRCh37 (hg19) VCF-style: chr7-92083918-G-C.
Other names: short protein forms E180Q.
Identifiers: ClinVar variation 2698940 (VCV002698940.3), dbSNP rs767515474, ClinGen allele CA368160645.